The following is an entry in ClinVar:

ClinVar aggregate classification (germline): Uncertain significance (1 of 4 stars; one submission).

Conditions:
Hereditary cancer-predisposing syndrome. Also called: Neoplastic Syndromes, Hereditary; Tumor predisposition; Hereditary neoplastic syndrome; Hereditary Cancer Syndrome. Identifiers: Orphanet 140162, MedGen C0027672, MeSH D009386, MONDO:0015356.

Allele frequency attached by ClinVar (database versions not stated): gnomAD exomes below 0.00001; gnomAD 0.00001; 1000 Genomes Project 30x 0.00016.
gnomAD v4.1: 2 of 1,542,292 alleles (0.00013%); highest among the groups gnomAD compares: East Asian, 0.0024%; no homozygotes.

Submission:

Ambry Genetics
Classification: Uncertain significance for Hereditary cancer-predisposing syndrome. Last evaluated: 2025-03-11. Review status: criteria provided, single submitter. Criteria: Ambry Variant Classification Scheme 2023. Collection method: clinical testing. Allele origin: germline.
Comment: The c.-3C>T variant is located in the 5' untranslated region (5&rsquo; UTR) of the SUFU gene. This variant results from a C to T substitution 3 bases upstream from the first translated codon. This nucleotide position is well conserved in available vertebrate species. Based on the available evidence, the clinical significance of this variant remains unclear.

NM_016169.4(SUFU):c.-3C>T

Genes: SUFU (SUFU negative regulator of hedgehog signaling; plus strand), LOC130004614 (ATAC-STARR-seq lymphoblastoid silent region 2764; plus strand). Cytogenetic location: 10q24.32.
Variant type: single nucleotide variant.
Coding change: c.-3C>T on transcript NM_016169.4 (MANE Select); 3 bases upstream of the start codon, C replaced by T.
Molecular consequence: 5 prime UTR variant.
Genome position (GRCh38, 1-based): chr10:102,504,150, C>T. VCF-style: chr10-102504150-C-T. GRCh37 (hg19) VCF-style: chr10-104263907-C-T.
Other names: c.-3C>T (NM_001178133.2).
Identifiers: ClinVar variation 824480 (VCV000824480.6), dbSNP rs1589969701, ClinGen allele CA915947526.